The following is an entry in ClinVar:

ClinVar aggregate classification (germline): Conflicting classifications of pathogenicity. Review status: criteria provided, conflicting classifications (1 of 4 stars). 10 submissions from 10 submitters: Pathogenic (1); Likely pathogenic (4); Uncertain significance (4). 1 of the submissions does not count toward it. Last evaluated 2025-08-10.

Conditions:
Very long chain acyl-CoA dehydrogenase deficiency (ACADVLD). Also called: VLCAD Deficiency; Very Long-Chain Acyl-Coenzyme A Dehydrogenase Deficiency. Identifiers: Orphanet 26793, MedGen C3887523, MONDO:0008723, OMIM 201475.

Submissions (10):

Labcorp Genetics (formerly Invitae), Labcorp
Classification: Pathogenic for Very long chain acyl-CoA dehydrogenase deficiency. Last evaluated: 2025-08-10. Review status: criteria provided, single submitter. Criteria: Invitae Variant Classification Sherloc (09022015). Collection method: clinical testing. Allele origin: germline.
Comment: This variant, c.1065_1067del, results in the deletion of 1 amino acid(s) of the ACADVL protein (p.Ile356del), but otherwise preserves the integrity of the reading frame. This variant is present in population databases (rs754325237, gnomAD 0.09%). This variant has been observed in individual(s) with very long-chain acyl-CoA dehydrogenase deficiency (PMID: 28871440; internal data). In at least one individual the data is consistent with being in trans (on the opposite chromosome) from a pathogenic variant. It has also been observed to segregate with disease in related individuals. ClinVar contains an entry for this variant (Variation ID: 555781). For these reasons, this variant has been classified as Pathogenic.

Natera, Inc.
Classification: Likely pathogenic for Very long chain acyl-CoA dehydrogenase deficiency. Last evaluated: 2025-08-07. Review status: criteria provided, single submitter. Criteria: Natera Variant Classification Schema (03/2026). Collection method: clinical testing. Allele origin: germline.
Comment: The c.1065_1067delCAT variant in ACADVL is an in-frame deletion predicted to remove isoleucine at amino acid 356 while preserving the reading frame. This variant is rare in the general population with a frequency below the threshold expected for the associated phenotype(s). This variant has been observed in one or more individuals affected with the associated recessive disease, as either homozygous or compound heterozygous with a second variant (PMID: 28871440). This variant results in a change to the protein length while preserving reading frame, which may disrupt normal protein structure or function. Computational prediction algorithms indicate this variant is likely to affect gene or protein function. Given the available evidence, this variant is classified as Likely Pathogenic.

Women's Health and Genetics/Laboratory Corporation of America, LabCorp
Classification: Likely pathogenic for Very long chain acyl-CoA dehydrogenase deficiency. Last evaluated: 2025-04-18. Review status: criteria provided, single submitter. Criteria: LabCorp Variant Classification Summary - May 2015. Collection method: clinical testing. Allele origin: germline.
Comment: Variant summary: ACADVL c.1065_1067delCAT (p.Ile356del) results in an in-frame deletion that is predicted to remove one amino acid from the Acyl-CoA dehydrogenase/oxidase C-terminal (IPR009075) domain of the encoded protein. The variant allele was found at a frequency of 4.4e-05 in 250762 control chromosomes. This frequency is not significantly higher than estimated for a pathogenic variant in ACADVL causing Very Long Chain Acyl-CoA Dehydrogenase Deficiency (4.4e-05 vs 0.0029), allowing no conclusion about variant significance. c.1065_1067delCAT has been observed as a biallelic genotype in individual(s) affected with Very Long Chain Acyl-CoA Dehydrogenase Deficiency (Gillingham_2017, Elizondo_2020, internal testing). These data indicate that the variant is likely to be associated with disease. To our knowledge, no experimental evidence demonstrating an impact on protein function has been reported. The following publications have been ascertained in the context of this evaluation (PMID: 32928639, 28871440). ClinVar contains an entry for this variant (Variation ID: 555781). Based on the evidence outlined above, the variant was classified as likely pathogenic.

Fulgent Genetics
Classification: Likely pathogenic for Very long chain acyl-CoA dehydrogenase deficiency. Last evaluated: 2024-04-02. Review status: criteria provided, single submitter. Criteria: ACMG Guidelines, 2015. Collection method: clinical testing. Allele origin: germline.

Baylor Genetics
Classification: Likely pathogenic for Very long chain acyl-CoA dehydrogenase deficiency. Last evaluated: 2024-02-29. Review status: criteria provided, single submitter. Criteria: ACMG Guidelines, 2015. Collection method: clinical testing. Allele origin: unknown.

Blueprint Genetics
Classification: Uncertain significance. Last evaluated: 2023-05-02. Review status: criteria provided, single submitter. Criteria: ACMG Guidelines, 2015. Collection method: clinical testing. Allele origin: germline.

ARUP Laboratories, Molecular Genetics and Genomics, ARUP Laboratories
Classification: Uncertain significance for Very long chain acyl-CoA dehydrogenase deficiency. Last evaluated: 2021-11-25. Review status: criteria provided, single submitter. Criteria: ARUP Molecular Germline Variant Investigation Process 2021. Collection method: clinical testing. Allele origin: germline.
Comment: The ACADVL c.1065_1067delCAT; p.Ile356del variant (rs754325237) is reported in the literature in multiple individuals affected with VLCAD deficiency (Gillingham 2017). This variant is reported in ClinVar (Variation ID: 555781) and is found in the Ashkenazi Jewish population with an allele frequency of 0.1% (10/10366 alleles) in the Genome Aggregation Database. This variant deletes a single isoleucine residue leaving the rest of the protein in-frame. However, given the lack of clinical and functional data, the significance of the p.Ile356del variant is uncertain at this time. References: Gillingham MB et al. Triheptanoin versus trioctanoin for long-chain fatty acid oxidation disorders: a double blinded, randomized controlled trial. J Inherit Metab Dis. 2017 Nov;40(6):831-843.PMID: 28871440.

Wong Mito Lab, Molecular and Human Genetics, Baylor College of Medicine
Classification: Uncertain significance for Very long chain acyl-CoA dehydrogenase deficiency. Last evaluated: 2019-11-01. Review status: criteria provided, single submitter. Criteria: ACMG Guidelines, 2015. Collection method: clinical testing. Allele origin: germline.
Comment: The NM_000018.3:c.1065_1067delCAT (NP_000009.1:p.Ile356del) [GRCH38: NC_000017.11:g.7222853_7222855del] variant in ACADVL gene is interpretated to be Uncertain Significance based on ACMG guidelines (PMID: 25741868). This variant has been reported. This variant dose not meet any evidence codes reported in the ACMG guidelines.

GeneDx
Classification: Uncertain significance. Last evaluated: 2019-06-19. Review status: criteria provided, single submitter. Criteria: GeneDx Variant Classification Process June 2021. Collection method: clinical testing. Allele origin: germline. Affected: yes.
Comment: In-frame deletion of one amino acids in a non-repeat region; In silico analysis, which includes protein predictors and evolutionary conservation, supports a deleterious effect; This variant is associated with the following publications: (PMID: 28871440)

Counsyl
Classification: Uncertain significance for Very long chain acyl-CoA dehydrogenase deficiency. Last evaluated: 2017-12-28. Review status: no assertion criteria provided. Collection method: clinical testing. Allele origin: unknown. Not counted in ClinVar's aggregate classification.

Literature cited by the submitters: PubMed 28871440 (cited by 3 submitters); PubMed 32928639 (cited by Women's Health and Genetics/Laboratory Corporation of America, LabCorp).

NM_000018.4(ACADVL):c.1062CAT[1] (p.Ile356del)

Gene: ACADVL (acyl-CoA dehydrogenase very long chain; plus strand). Cytogenetic location: 17p13.1.
Variant type: Microsatellite.
Coding change: c.1062CAT[1] on transcript NM_000018.4 (MANE Select); one copy of the 3-base unit CAT starting at c.1062; the reference has two copies in a row; one copy, 3 bases deleted; also written c.1065_1067del.
Protein change: p.Ile356del; deletes isoleucine 356.
Molecular consequence: inframe deletion.
Genome position (GRCh38, 1-based): chr17:7,222,853-7,222,855, CAT deleted; deleting any 3 consecutive bases within chr17:7,222,850-7,222,855 gives the same sequence; the position shown is the placement nearest the transcript's 3' end. VCF-style (leftmost placement, unchanged base first): chr17-7222849-GCAT-G. GRCh37 (hg19) VCF-style: chr17-7126168-GCAT-G.
Other names: c.1065_1067del (NM_000018.3, NM_000018.4); c.996CAT[1], p.Ile334del (NM_001033859.3); c.1131CAT[1], p.Ile379del (NM_001270447.2); c.834CAT[1], p.Ile280del (NM_001270448.2); c.1065_1067delCAT (NM_000018.4); short protein forms I356del, I334del, I379del, I280del.
Identifiers: ClinVar variation 555781 (VCV000555781.26), dbSNP rs754325237, ClinGen allele CA8337930.